The following is an entry in ClinVar:

NM_000518.4(HBB):c.184A>G (p.Lys62Glu)

Genes: HBB (hemoglobin subunit beta; minus strand), LOC106099062 (HBB recombination region; plus strand), LOC107133510 (origin of replication at HBB; plus strand). Cytogenetic location: 11p15.4.
Variant type: single nucleotide variant.
Coding change: c.184A>G on transcript NM_000518.4; coding-DNA position 184, A replaced by G.
Protein change: p.Lys62Glu; replaces lysine 62 with glutamic acid.
Molecular consequence: missense variant (on NM_000518.5).
Genome position (GRCh38, 1-based): chr11:5,226,708, T>C on the plus strand (A>G on the coding strand, the complement: HBB is on the minus strand). VCF-style: chr11-5226708-T-C. GRCh37 (hg19) VCF-style: chr11-5247938-T-C.
Other names: K61E; c.184A>G, p.Lys62Glu (NM_000518.5); short protein forms K62E.
Identifiers: ClinVar variation 15280 (VCV000015280.17), dbSNP rs33995148, ClinGen allele CA125048.

ClinVar aggregate classification (germline): Uncertain significance. Review status: criteria provided, multiple submitters, no conflicts (2 of 4 stars). 4 submissions from 4 submitters: Uncertain significance (2). 2 of the submissions do not count toward it. Last evaluated 2024-10-29.

Conditions:
HEMOGLOBIN N (SEATTLE).
beta Thalassemia (BTHAL). Also called: Cooley's anemia; Erythroblastic anemia; Mediterranean anemia. Identifiers: Orphanet 848, MedGen C0005283, MONDO:0019402. Disease mechanism: loss of function.

Submissions (4):

ARUP Laboratories, Molecular Genetics and Genomics, ARUP Laboratories
Classification: Uncertain significance. Last evaluated: 2024-10-29. Review status: criteria provided, single submitter. Criteria: ARUP Molecular Germline Variant Investigation Process 2024. Collection method: clinical testing. Allele origin: germline.
Comment: The Hb N-Seattle (HBB: c.184A>G; p.Lys62Glu, also known as Lys61Glu when numbered from the mature protein, rs33995148, HbVar: 353) has been reported in a heterozygous blood donor with normal clinical presentation. However, its phenotype when found with other pathogenic globin variants is uncertain, and has not been described in the literature. The Hb N-Seattle hemoglobin variant is stable, and comprises half of the total hemoglobin in the individual (HbVar database and references therein). It is listed in ClinVar (Variation ID: 15280), but absent from the Genome Aggregation Database (v2.1.1), indicating it is not a common polymorphism. Computational analyses are uncertain whether this variant is neutral or deleterious (REVEL: 0.699). Although Hb N-Seattle has not been associated with clinical symptoms or hemoglobin abnormalities, there is insufficient information to determine its clinical significance with certainty. References: Link to HbVar database

Women's Health and Genetics/Laboratory Corporation of America, LabCorp
Classification: Uncertain significance. Last evaluated: 2024-03-05. Review status: criteria provided, single submitter. Criteria: LabCorp Variant Classification Summary - May 2015. Collection method: clinical testing. Allele origin: germline.
Comment: Variant summary: HBB c.184A>G (p.Lys62Glu, also known as Lys61Glu, Hb N-Seattle) results in a conservative amino acid change located in the Globin domain (IPR000971) of the encoded protein sequence. Three of five in-silico tools predict a benign effect of the variant on protein function. The variant was absent in 251424 control chromosomes. The available data on variant occurrences in the general population are insufficient to allow any conclusion about variant significance. c.184A>G has been reported in the literature in individuals affected with Anemia but also found in individuals without clinical symptoms (example, Jones_1968, Schroeder_1982). These report(s) do not provide unequivocal conclusions about association of the variant with Hemoglobinopathy. At least one publication reports experimental evidence evaluating an impact on protein function using blood samples from a heterozygous donor without clinical presentation, however, does not allow convincing conclusions about the variant effect (Jones_1968). The following publications have been ascertained in the context of this evaluation (PMID: 5637049, 7092797). ClinVar contains an entry for this variant (Variation ID: 15280). Based on the evidence outlined above, the variant was classified as uncertain significance.

Natera, Inc.
Classification: Uncertain significance for Beta thalassemia. Last evaluated: 2020-03-31. Review status: no assertion criteria provided. Collection method: clinical testing. Allele origin: germline. Not counted in ClinVar's aggregate classification.

OMIM
Classification: other for HEMOGLOBIN N (SEATTLE). Last evaluated: 2017-12-12. Review status: no assertion criteria provided. Collection method: literature only. Allele origin: germline. Not counted in ClinVar's aggregate classification.

Literature cited by the submitters: PubMed 5637049 (cited by Women's Health and Genetics/Laboratory Corporation of America, LabCorp and OMIM); PubMed 7092797 (cited by Women's Health and Genetics/Laboratory Corporation of America, LabCorp).